The following is an entry in ClinVar:

NM_144997.7(FLCN):c.113G>T (p.Ser38Ile)

Gene: FLCN (folliculin; minus strand). Cytogenetic location: 17p11.2.
Variant type: single nucleotide variant.
Coding change: c.113G>T on transcript NM_144997.7 (MANE Select); coding-DNA position 113, G replaced by T.
Protein change: p.Ser38Ile; replaces serine 38 with isoleucine.
Molecular consequence: missense variant.
Genome position (GRCh38, 1-based): chr17:17,228,025, C>A on the plus strand (G>T on the coding strand, the complement: FLCN is on the minus strand). VCF-style: chr17-17228025-C-A. GRCh37 (hg19) VCF-style: chr17-17131339-C-A.
Other names: c.113G>T (LRG_325t1, NM_144997.6); c.113G>T, p.Ser38Ile (NM_001353229.2, NM_001353230.2, NM_001353231.2 and 1 more transcripts); short protein forms S38I.
Identifiers: ClinVar variation 409391 (VCV000409391.25), dbSNP rs139418842, ClinGen allele CA8416514.

ClinVar aggregate classification (germline): Conflicting classifications of pathogenicity. Review status: criteria provided, conflicting classifications (1 of 4 stars). 8 submissions from 8 submitters: Uncertain significance (3); Benign (1); Likely benign (4). Last evaluated 2026-01-27.

Conditions:
17p11.2 microduplication syndrome (PTLS). Also called: CHROMOSOME 17p11.2 DUPLICATION SYNDROME; Potocki-Lupski syndrome; Duplication 17p11.2 syndrome; Potocki-Lupski syndrome (dup(17)(p11.2p11.2)). Identifiers: Orphanet 1713, MedGen C2931246, MONDO:0012574, OMIM 610883.
Familial spontaneous pneumothorax (PSP). Identifiers: Orphanet 2903, MedGen C1868193, MONDO:0008259, OMIM 173600.
Nonpapillary renal cell carcinoma. Identifiers: Orphanet 422526, MedGen CN074294, MONDO:0007763, OMIM 144700.
Colorectal cancer. Also called: Colorectal cancer, somatic; Malignant Colorectal Neoplasm. Identifiers: MedGen C0346629, MONDO:0005575, OMIM 114500.
Birt-Hogg-Dube syndrome. Also called: Birt Hogg Dubé syndrome. Identifiers: Orphanet 122, MedGen C0346010, MONDO:0800444.
Birt-Hogg-Dube syndrome 1 (BHD1). Also called: FIBROFOLLICULOMAS WITH TRICHODISCOMAS AND ACROCHORDONS. Identifiers: Orphanet 122, MedGen CN375946, MONDO:0800445, OMIM 135150.
FLCN-related disorder. Also called: FLCN-related condition.
Hereditary cancer-predisposing syndrome. Also called: Neoplastic Syndromes, Hereditary; Tumor predisposition; Hereditary Cancer Syndrome; Hereditary neoplastic syndrome. Identifiers: Orphanet 140162, MedGen C0027672, MeSH D009386, MONDO:0015356.

Allele frequency attached by ClinVar (database versions not stated): gnomAD exomes below 0.00001 and 0.00002; ExAC 0.00004; gnomAD 0.00013 and 0.00016; TOPMed 0.00017; ESP Exome Variant Server 0.00023.
gnomAD v4.1: 25 of 1,613,882 alleles (0.0015%); highest among the groups gnomAD compares: African/African-American, 0.032%; no homozygotes.

Submissions (8):

Labcorp Genetics (formerly Invitae), Labcorp
Classification: Likely benign for Birt-Hogg-Dube syndrome. Last evaluated: 2026-01-27. Review status: criteria provided, single submitter. Criteria: Invitae Variant Classification Sherloc (09022015). Collection method: clinical testing. Allele origin: germline.

PreventionGenetics, part of Exact Sciences
Classification: Likely benign for FLCN-related condition. Last evaluated: 2025-07-08. Review status: criteria provided, single submitter. Criteria: ACMG Guidelines, 2015. Collection method: clinical testing. Allele origin: germline.
Comment: This variant is classified as likely benign based on ACMG/AMP sequence variant interpretation guidelines (Richards et al. 2015 PMID: 25741868, with internal and published modifications).

Myriad Genetics, Inc.
Classification: Likely benign for Birt-Hogg-Dube syndrome 1. Last evaluated: 2024-08-07. Review status: criteria provided, single submitter. Criteria: Myriad Autosomal Dominant, Autosomal Recessive and X-Linked Classification Criteria (2023). Collection method: clinical testing. Allele origin: unknown.
Comment: This variant is considered likely benign. This variant has been observed at a population frequency that is significantly greater than expected given the associated disease prevalence and penetrance.

GeneDx
Classification: Uncertain significance. Last evaluated: 2023-09-26. Review status: criteria provided, single submitter. Criteria: GeneDx Variant Classification Process June 2021. Collection method: clinical testing. Allele origin: germline. Affected: yes.
Comment: In silico analysis supports that this missense variant does not alter protein structure/function; Has not been previously published as pathogenic or benign to our knowledge

Quest Diagnostics Nichols Institute San Juan Capistrano
Classification: Likely benign. Last evaluated: 2023-08-16. Review status: criteria provided, single submitter. Criteria: Quest Diagnostics criteria. Collection method: clinical testing. Allele origin: unknown.

Ambry Genetics
Classification: Benign for Hereditary cancer-predisposing syndrome. Last evaluated: 2023-08-03. Review status: criteria provided, single submitter. Criteria: Ambry Variant Classification Scheme 2023. Collection method: clinical testing. Allele origin: germline.

Women's Health and Genetics/Laboratory Corporation of America, LabCorp
Classification: Uncertain significance. Last evaluated: 2022-02-28. Review status: criteria provided, single submitter. Criteria: LabCorp Variant Classification Summary - May 2015. Collection method: clinical testing. Allele origin: germline.

Fulgent Genetics
Classification: Uncertain significance for Colorectal cancer; Birt-Hogg-Dube syndrome 1; Nonpapillary renal cell carcinoma; Familial spontaneous pneumothorax; 17p11.2 microduplication syndrome. Last evaluated: 2021-12-03. Review status: criteria provided, single submitter. Criteria: ACMG Guidelines, 2015. Collection method: clinical testing. Allele origin: unknown.

Literature cited by the submitters: PubMed 33137092 (cited by Quest Diagnostics Nichols Institute San Juan Capistrano).